The following is an entry in ClinVar:

NM_018051.5(DYNC2I1):c.2121G>T (p.Leu707Phe)

Gene: DYNC2I1 (dynein 2 intermediate chain 1; plus strand). Cytogenetic location: 7q36.3.
Variant type: single nucleotide variant.
Coding change: c.2121G>T on transcript NM_018051.5 (MANE Select); coding-DNA position 2121, G replaced by T.
Protein change: p.Leu707Phe; replaces leucine 707 with phenylalanine.
Molecular consequence: missense variant.
Genome position (GRCh38, 1-based): chr7:158,923,597, G>T. VCF-style: chr7-158923597-G-T. GRCh37 (hg19) VCF-style: chr7-158716288-G-T.
Other names: c.1983G>T, p.Leu661Phe (NM_001350914.2); c.1548G>T, p.Leu516Phe (NM_001350915.2); c.660G>T, p.Leu220Phe (NM_001350916.2); c.873G>T, p.Leu291Phe (NM_001350917.2, NM_001350918.2); short protein forms L220F, L291F, L516F, L661F, L707F.
Identifiers: ClinVar variation 1680702 (VCV001680702.8), dbSNP rs766537162, ClinGen allele CA4594883.

ClinVar aggregate classification (germline): Uncertain significance (1 of 4 stars; one submission).

Conditions:
Short-rib thoracic dysplasia 8 with or without polydactyly (SRTD8). Also called: SHORT-RIB THORACIC DYSPLASIA 8 WITH POLYDACTYLY. Identifiers: Orphanet 93271, MedGen C3809691, MONDO:0014214, OMIM 615503.

Allele frequency attached by ClinVar (database versions not stated): gnomAD exomes below 0.00001 and 0.00001; ExAC 0.00001; gnomAD 0.00001; TOPMed 0.00002.
gnomAD v4.1: 4 of 1,613,872 alleles (0.00025%); highest among the groups gnomAD compares: Admixed American, 0.0067%; no homozygotes.

Submission:

Labcorp Genetics (formerly Invitae), Labcorp
Classification: Uncertain significance for Short-rib thoracic dysplasia 8 with or without polydactyly. Last evaluated: 2021-07-04. Review status: criteria provided, single submitter. Criteria: Invitae Variant Classification Sherloc (09022015). Collection method: clinical testing. Allele origin: germline.
Comment: This sequence change replaces leucine with phenylalanine at codon 707 of the WDR60 protein (p.Leu707Phe). The leucine residue is weakly conserved and there is a small physicochemical difference between leucine and phenylalanine. This variant is present in population databases (rs766537162, ExAC 0.009%). This variant has not been reported in the literature in individuals affected with WDR60-related conditions. Algorithms developed to predict the effect of missense changes on protein structure and function output the following: SIFT: "Tolerated"; PolyPhen-2: "Benign"; Align-GVGD: "Class C0". The phenylalanine amino acid residue is found in multiple mammalian species, which suggests that this missense change does not adversely affect protein function. In summary, the available evidence is currently insufficient to determine the role of this variant in disease. Therefore, it has been classified as a Variant of Uncertain Significance.